The following is an entry in ClinVar:

NM_032447.5(FBN3):c.329C>G (p.Pro110Arg)

Gene: FBN3 (fibrillin 3; minus strand). Cytogenetic location: 19p13.2.
Variant type: single nucleotide variant.
Coding change: c.329C>G on transcript NM_032447.5 (MANE Select); coding-DNA position 329, C replaced by G.
Protein change: p.Pro110Arg; replaces proline 110 with arginine.
Molecular consequence: missense variant.
Genome position (GRCh38, 1-based): chr19:8,146,147, G>C on the plus strand (C>G on the coding strand, the complement: FBN3 is on the minus strand). VCF-style: chr19-8146147-G-C. GRCh37 (hg19) VCF-style: chr19-8211031-G-C.
Other names: c.329C>G (NM_032447.3); c.329C>G, p.Pro110Arg (NM_001321431.2); short protein forms P110R.
Identifiers: ClinVar variation 2216010 (VCV002216010.9), dbSNP rs1214027731, ClinGen allele CA403725224.

ClinVar aggregate classification (germline): Uncertain significance. Review status: criteria provided, multiple submitters, no conflicts (2 of 4 stars). 2 submissions from 2 submitters: Uncertain significance (2). Last evaluated 2025-01-07.

Allele frequency attached by ClinVar (database versions not stated): TOPMed below 0.00001; gnomAD 0.00001; gnomAD exomes 0.00001.
gnomAD v4.1: 5 of 1,599,174 alleles (0.00031%); highest among the groups gnomAD compares: Admixed American, 0.0087%; no homozygotes.

Submissions (2):

Ambry Genetics
Classification: Uncertain significance. Last evaluated: 2025-01-07. Review status: criteria provided, single submitter. Criteria: Ambry Variant Classification Scheme 2023. Collection method: clinical testing. Allele origin: germline.

Labcorp Genetics (formerly Invitae), Labcorp
Classification: Uncertain significance. Last evaluated: 2024-07-17. Review status: criteria provided, single submitter. Criteria: Invitae Variant Classification Sherloc (09022015). Collection method: clinical testing. Allele origin: germline.
Comment: This sequence change replaces proline, which is neutral and non-polar, with arginine, which is basic and polar, at codon 110 of the FBN3 protein (p.Pro110Arg). This variant is present in population databases (no rsID available, gnomAD 0.01%). This variant has not been reported in the literature in individuals affected with FBN3-related conditions. ClinVar contains an entry for this variant (Variation ID: 2216010). An algorithm developed to predict the effect of missense changes on protein structure and function (PolyPhen-2) suggests that this variant is likely to be disruptive. In summary, the available evidence is currently insufficient to determine the role of this variant in disease. Therefore, it has been classified as a Variant of Uncertain Significance.